The following is an entry in ClinVar:

ClinVar aggregate classification (germline): Likely benign. Review status: criteria provided, multiple submitters, no conflicts (2 of 4 stars). 2 submissions from 2 submitters: Likely benign (2). Last evaluated 2024-11-26.

gnomAD v4.1: 19 of 1,525,520 alleles (0.0012%); highest among the groups gnomAD compares: African/African-American, 0.0042%; no homozygotes.

Submissions (2):

Mayo Clinic Laboratories, Mayo Clinic
Classification: Likely benign. Last evaluated: 2024-11-26. Review status: criteria provided, single submitter. Criteria: ACMG Guidelines, 2015. Collection method: clinical testing. Allele origin: germline. Observed: 1 variant allele.
Comment: BP4, BP7

Blueprint Genetics
Classification: Likely benign. Last evaluated: 2022-03-23. Review status: criteria provided, single submitter. Criteria: ACMG Guidelines, 2015. Collection method: clinical testing. Allele origin: germline.

NM_001142864.4(PIEZO1):c.90C>A (p.Leu30=)

Gene: PIEZO1 (piezo type mechanosensitive ion channel component 1 (Er blood group); minus strand). Cytogenetic location: 16q24.3.
Variant type: single nucleotide variant.
Coding change: c.90C>A on transcript NM_001142864.4 (MANE Select); coding-DNA position 90, C replaced by A.
Protein change: p.Leu30=; no amino-acid change (leucine 30 retained).
Molecular consequence: synonymous variant.
Genome position (GRCh38, 1-based): chr16:88,749,454, G>T on the plus strand (C>A on the coding strand, the complement: PIEZO1 is on the minus strand). VCF-style: chr16-88749454-G-T. GRCh37 (hg19) VCF-style: chr16-88815862-G-T.
Other names: p.Leu30=.
Identifiers: ClinVar variation 4684162 (VCV004684162.2).
Genomic context (GRCh38, chr16:88,749,454, plus strand): 5'-GCATCGGGTGGGGCCGGGGAACCAGGGCAGCAGCAGCAGGAAGAGCAGGTAGACCAGCGA[G>T]AGTCCGCTGAAGCGGAGCAGGCAGGCTGCGGGGAGATGGGCGTTAACTAGGTCGCCAACA-3'
Protein context (NP_001136336.2, residues 20-40): LAACLLRFSG[Leu30=]SLVYLLFLLL